The following is an entry in ClinVar:

ClinVar aggregate classification (germline): Pathogenic. Review status: criteria provided, multiple submitters, no conflicts (2 of 4 stars). 6 submissions from 6 submitters: Pathogenic (6). Last evaluated 2025-11-13.

Conditions:
Hereditary cancer-predisposing syndrome. Also called: Neoplastic Syndromes, Hereditary; Hereditary neoplastic syndrome; Tumor predisposition; Hereditary Cancer Syndrome. Identifiers: Orphanet 140162, MedGen C0027672, MeSH D009386, MONDO:0015356.
Familial cancer of breast. Also called: hereditary breast carcinoma; Hereditary breast cancer; BREAST CANCER, FAMILIAL. Identifiers: Orphanet 227535, MedGen C0346153, MONDO:0016419, OMIM 114480. Disease mechanism: loss of function.
Ataxia-telangiectasia syndrome (AT). Also called: Ataxia telangiectasia (A-T); Cerebello-oculocutaneous telangiectasia; Immunodeficiency with ataxia telangiectasia; LOUIS-BAR SYNDROME; AT, COMPLEMENTATION GROUP C; ATAXIA-TELANGIECTASIA, FRESNO VARIANT. Identifiers: Orphanet 100, MedGen C0004135, MONDO:0008840, OMIM 208900.

Submissions (6):

Labcorp Genetics (formerly Invitae), Labcorp
Classification: Pathogenic for Ataxia-telangiectasia syndrome. Last evaluated: 2025-11-13. Review status: criteria provided, single submitter. Criteria: Invitae Variant Classification Sherloc (09022015). Collection method: clinical testing. Allele origin: germline.
Comment: This sequence change creates a premature translational stop signal (p.Glu2139Ilefs*6) in the ATM gene. It is expected to result in an absent or disrupted protein product. Loss-of-function variants in ATM are known to be pathogenic (PMID: 23807571, 25614872). This variant is not present in population databases (gnomAD no frequency). This premature translational stop signal has been observed in individual(s) with ataxia telangiectasia (PMID: 8755918). This variant is also known as 6412delAG. ClinVar contains an entry for this variant (Variation ID: 218278). Algorithms developed to predict the effect of sequence changes on RNA splicing suggest that this variant may disrupt the consensus splice site. For these reasons, this variant has been classified as Pathogenic.

GeneDx
Classification: Pathogenic. Last evaluated: 2025-06-11. Review status: criteria provided, single submitter. Criteria: GeneDx Variant Classification Process June 2021. Collection method: clinical testing. Allele origin: germline. Affected: yes.
Comment: Frameshift variant predicted to result in protein truncation or nonsense mediated decay in a gene for which loss of function is a known mechanism of disease; Truncating variants in this gene are considered pathogenic by a well-established clinical consortium and/or database; Not observed at significant frequency in large population cohorts (gnomAD); Also known as c.6412delAG; This variant is associated with the following publications: (PMID: 8755918, 9463314, 15174027, 11382771, 9150358, 14524495, 29478780)

Myriad Genetics, Inc.
Classification: Pathogenic for Familial cancer of breast. Last evaluated: 2024-01-29. Review status: criteria provided, single submitter. Criteria: Myriad Autosomal Dominant, Autosomal Recessive and X-Linked Classification Criteria (2023). Collection method: clinical testing. Allele origin: unknown.
Comment: This variant is considered pathogenic. This variant creates a frameshift predicted to result in premature protein truncation.

Ambry Genetics
Classification: Pathogenic for Hereditary cancer-predisposing syndrome. Last evaluated: 2022-11-14. Review status: criteria provided, single submitter. Criteria: Ambry Variant Classification Scheme 2023. Collection method: clinical testing. Allele origin: germline.
Comment: The c.6415_6416delGA pathogenic mutation, located in coding exon 43 of the ATM gene, results from a deletion of two nucleotides at nucleotide positions 6415 to 6416, causing a translational frameshift with a predicted alternate stop codon (p.E2139Ifs*6). This alteration has been reported in a compound heterozygous state in multiple individuals with ataxia-telangiectasia (A-T) (McConville CM et al, Am. J. Hum. Genet. 1996 Aug; 59(2):320-30; Stankovic T et al, Am. J. Hum. Genet. 1998 Feb; 62(2):334-45; Watters D et al, Oncogene 1997 Apr; 14(16):1911-21). Of note, this alteration is also designated as c.6412_ 6414delAG in published literature. In addition to the clinical data presented in the literature, this alteration is expected to result in loss of function by premature protein truncation or nonsense-mediated mRNA decay. As such, this alteration is interpreted as a disease-causing mutation.

Baylor Genetics
Classification: Pathogenic for Familial cancer of breast. Last evaluated: 2021-11-04. Review status: criteria provided, single submitter. Criteria: ACMG Guidelines, 2015. Collection method: clinical testing. Allele origin: unknown.

ARUP Laboratories, Molecular Genetics and Genomics, ARUP Laboratories
Classification: Pathogenic. Last evaluated: 2017-03-16. Review status: criteria provided, single submitter. Criteria: ARUP Molecular Germline Variant Investigation Process. Collection method: clinical testing. Allele origin: germline.

Literature cited by the submitters: PubMed 23807571 (cited by Labcorp Genetics (formerly Invitae), Labcorp); PubMed 25614872 (cited by Labcorp Genetics (formerly Invitae), Labcorp); PubMed 8755918 (cited by Labcorp Genetics (formerly Invitae), Labcorp and Ambry Genetics); PubMed 9150358 (cited by Ambry Genetics); PubMed 9463314 (cited by Ambry Genetics).

NM_000051.4(ATM):c.6415_6416del (p.Glu2139fs)

Genes: ATM (ATM serine/threonine kinase; plus strand), C11orf65 (chromosome 11 open reading frame 65; minus strand). Cytogenetic location: 11q22.3.
Variant type: Microsatellite.
Coding change: c.6415_6416del on transcript NM_000051.4 (MANE Select); coding-DNA positions 6415 to 6416, 2 bases deleted (GA; older notation c.6415_6416delGA).
Protein change: p.Glu2139fs; shifts the reading frame from glutamic acid 2139.
Molecular consequence: frameshift variant. On other transcripts: intron variant (2).
Genome position (GRCh38, 1-based): chr11:108,320,021-108,320,022, GA deleted; deleting any 2 consecutive bases within chr11:108,320,018-108,320,022 gives the same sequence; the c. name uses the placement nearest the transcript's 3' end. VCF-style (leftmost placement, unchanged base first): chr11-108320017-CAG-C. GRCh37 (hg19) VCF-style: chr11-108190744-CAG-C.
Other names: c.6415_6416delGA (NM_000051.3); c.6415_6416del, p.Glu2139fs (NM_001351834.2); c.641-10948_641-10947del (NM_001330368.2); c.*39-10948_*39-10947del (NM_001351110.2); c.6415_6416del (NM_000051.3); short protein forms E2139fs.
Identifiers: ClinVar variation 218278 (VCV000218278.24), dbSNP rs863225466, ClinGen allele CA339613.
Genomic context (GRCh38, chr11:108,320,017, plus strand): 5'-AGAAGTAGAAGGAACCAGTTACCATGAATCATTGTACAATGCTCTACAATCTCTAAGAGA[CAG>C]AGAATTCTCTACATTTTATGAAAGTCTCAAATATGCCAGGTATTATGAAAAGACAAAGTT-3'